The following is an entry in ClinVar:

NM_016553.5(NUP62):c.395G>A (p.Ser132Asn)

Genes: IL4I1 (interleukin 4 induced 1; minus strand), NUP62 (nucleoporin 62; minus strand). Cytogenetic location: 19q13.33.
Variant type: single nucleotide variant.
Coding change: c.395G>A on transcript NM_016553.5 (MANE Select); coding-DNA position 395, G replaced by A.
Protein change: p.Ser132Asn; replaces serine 132 with asparagine.
Molecular consequence: missense variant. On other transcripts: intron variant (3).
Genome position (GRCh38, 1-based): chr19:49,909,413, C>T on the plus strand (G>A on the coding strand, the complement: NUP62 is on the minus strand). VCF-style: chr19-49909413-C-T. GRCh37 (hg19) VCF-style: chr19-50412670-C-T.
Other names: c.395G>A, p.Ser132Asn (NM_001193357.2, NM_012346.5, NM_153718.4 and 1 more transcripts); c.-227-5092G>A (NM_001258017.2, NM_172374.3); c.-285-5092G>A (NM_001258018.2); short protein forms S132N.
Identifiers: ClinVar variation 1384563 (VCV001384563.7), dbSNP rs2122603695, ClinGen allele CA406927382.

ClinVar aggregate classification (germline): Uncertain significance (1 of 4 stars; one submission).

Allele frequency attached by ClinVar (database versions not stated): gnomAD exomes below 0.00001.
gnomAD v4.1: 3 of 1,613,798 alleles (0.00019%); highest among the groups gnomAD compares: Non-Finnish European, 0.00017%; no homozygotes.

Submission:

Labcorp Genetics (formerly Invitae), Labcorp
Classification: Uncertain significance. Last evaluated: 2024-12-02. Review status: criteria provided, single submitter. Criteria: Invitae Variant Classification Sherloc (09022015). Collection method: clinical testing. Allele origin: germline.
Comment: This sequence change replaces serine, which is neutral and polar, with asparagine, which is neutral and polar, at codon 132 of the NUP62 protein (p.Ser132Asn). This variant is not present in population databases (gnomAD no frequency). This variant has not been reported in the literature in individuals affected with NUP62-related conditions. ClinVar contains an entry for this variant (Variation ID: 1384563). An algorithm developed to predict the effect of missense changes on protein structure and function (PolyPhen-2) suggests that this variant is likely to be tolerated. In summary, the available evidence is currently insufficient to determine the role of this variant in disease. Therefore, it has been classified as a Variant of Uncertain Significance.